The following is an entry in ClinVar:

ClinVar aggregate classification (germline): Likely benign (1 of 4 stars; one submission).

Allele frequency attached by ClinVar (database versions not stated): gnomAD 0.00001; gnomAD exomes 0.00002; ExAC 0.00007; TOPMed 0.00007.
gnomAD v4.1: 33 of 1,611,346 alleles (0.002%); highest among the groups gnomAD compares: Admixed American, 0.032%; no homozygotes.

Submission:

CeGaT Center for Human Genetics Tuebingen
Classification: Likely benign. Last evaluated: 2022-10-01. Review status: criteria provided, single submitter. Criteria: CeGaT Center For Human Genetics Tuebingen Variant Classification Criteria Version 2. Collection method: clinical testing. Allele origin: germline. Affected: yes. Observed: 1 variant allele.
Comment: PKD1: BP4, BP7

NM_001009944.3(PKD1):c.3978C>T (p.Phe1326=)

Gene: PKD1 (polycystin 1, transient receptor potential channel interacting; minus strand). Cytogenetic location: 16p13.3.
Variant type: single nucleotide variant.
Coding change: c.3978C>T on transcript NM_001009944.3 (MANE Select); coding-DNA position 3978, C replaced by T.
Protein change: p.Phe1326=; no amino-acid change (phenylalanine 1326 retained).
Molecular consequence: synonymous variant.
Genome position (GRCh38, 1-based): chr16:2,111,189, G>A on the plus strand (C>T on the coding strand, the complement: PKD1 is on the minus strand). VCF-style: chr16-2111189-G-A. GRCh37 (hg19) VCF-style: chr16-2161190-G-A.
Other names: c.3978C>T, p.Phe1326= (NM_000296.4).
Identifiers: ClinVar variation 2646020 (VCV002646020.24), dbSNP rs752712528, ClinGen allele CA7832545.